The following is an entry in ClinVar:

NM_000268.4(NF2):c.874G>A (p.Val292Ile)

Gene: NF2 (NF2, moesin-ezrin-radixin like (MERLIN) tumor suppressor; plus strand). Cytogenetic location: 22q12.2.
Variant type: single nucleotide variant.
Coding change: c.874G>A on transcript NM_000268.4 (MANE Select); coding-DNA position 874, G replaced by A.
Protein change: p.Val292Ile; replaces valine 292 with isoleucine.
Molecular consequence: missense variant. On other transcripts: non-coding transcript variant (1), intron variant (1).
Genome position (GRCh38, 1-based): chr22:29,665,053, G>A. VCF-style: chr22-29665053-G-A. GRCh37 (hg19) VCF-style: chr22-30061042-G-A.
Other names: c.874G>A, p.Val292Ile (NM_016418.5, NM_181825.3, NM_181832.3); c.748G>A, p.Val250Ile (NM_181828.3); c.751G>A, p.Val251Ile (NM_181829.3); c.625G>A, p.Val209Ile (NM_181830.3, NM_181831.3); c.447+22768G>A (NM_181833.3); short protein forms V250I, V209I, V292I, V251I.
Identifiers: ClinVar variation 945202 (VCV000945202.12), dbSNP rs1442581021, ClinGen allele CA411144785.
Genomic context (GRCh38, chr22:29,665,053, plus strand): 5'-ACTATTAAACCACTGGATAAGAAAATTGATGTCTTCAAGTTTAACTCCTCAAAGCTTCGT[G>A]TTAATAAGCTGGTAAGTTGAGATCCTGGTTTTCATTACTGATAATGGTAGCTTTTCTGAG-3'
Protein context (NP_000259.1, residues 282-302): VFKFNSSKLR[Val292Ile]NKLILQLCIG

ClinVar aggregate classification (germline): Uncertain significance. Review status: criteria provided, multiple submitters, no conflicts (2 of 4 stars). 2 submissions from 2 submitters: Uncertain significance (2). Last evaluated 2025-02-07.

Conditions:
Hereditary cancer-predisposing syndrome. Also called: Neoplastic Syndromes, Hereditary; Tumor predisposition; Hereditary Cancer Syndrome; Hereditary neoplastic syndrome. Identifiers: Orphanet 140162, MedGen C0027672, MeSH D009386, MONDO:0015356.
Neurofibromatosis, type 2 (SWNV). Also called: BILATERAL ACOUSTIC NEUROFIBROMATOSIS; SCHWANNOMATOSIS, VESTIBULAR; NF2-Related Schwannomatosis. Identifiers: Orphanet 637, MedGen C0027832, MONDO:0007039, OMIM 101000. Disease mechanism: loss of function.

Allele frequency attached by ClinVar (database versions not stated): TOPMed below 0.00001; gnomAD 0.00001; gnomAD exomes 0.00001.
gnomAD v4.1: 8 of 1,612,894 alleles (0.0005%); highest among the groups gnomAD compares: Non-Finnish European, 0.00068%; no homozygotes.

Submissions (2):

Labcorp Genetics (formerly Invitae), Labcorp
Classification: Uncertain significance for Neurofibromatosis, type 2. Last evaluated: 2025-02-07. Review status: criteria provided, single submitter. Criteria: Invitae Variant Classification Sherloc (09022015). Collection method: clinical testing. Allele origin: germline.
Comment: This sequence change replaces valine, which is neutral and non-polar, with isoleucine, which is neutral and non-polar, at codon 292 of the NF2 protein (p.Val292Ile). This variant is not present in population databases (gnomAD no frequency). This variant has not been reported in the literature in individuals affected with NF2-related conditions. ClinVar contains an entry for this variant (Variation ID: 945202). Invitae Evidence Modeling of protein sequence and biophysical properties (such as structural, functional, and spatial information, amino acid conservation, physicochemical variation, residue mobility, and thermodynamic stability) indicates that this missense variant is not expected to disrupt NF2 protein function with a negative predictive value of 80%. In summary, the available evidence is currently insufficient to determine the role of this variant in disease. Therefore, it has been classified as a Variant of Uncertain Significance.

Ambry Genetics
Classification: Uncertain significance for Hereditary cancer-predisposing syndrome. Last evaluated: 2025-01-21. Review status: criteria provided, single submitter. Criteria: Ambry Variant Classification Scheme 2023. Collection method: clinical testing. Allele origin: germline.
Comment: The p.V292I variant (also known as c.874G>A), located in coding exon 9 of the NF2 gene, results from a G to A substitution at nucleotide position 874. The valine at codon 292 is replaced by isoleucine, an amino acid with highly similar properties. This amino acid position is highly conserved in available vertebrate species. In addition, the in silico prediction for this alteration is inconclusive. Since supporting evidence is limited at this time, the clinical significance of this alteration remains unclear.